The following is an entry in ClinVar:

ClinVar aggregate classification (germline): Uncertain significance (1 of 4 stars; one submission).

Conditions:
RASopathy. Also called: Noonan spectrum disorder; rasopathies. Identifiers: Orphanet 536391, MedGen C5555857, MONDO:0021060.

Submission:

Labcorp Genetics (formerly Invitae), Labcorp
Classification: Uncertain significance for RASopathy. Last evaluated: 2023-04-06. Review status: criteria provided, single submitter. Criteria: Invitae Variant Classification Sherloc (09022015). Collection method: clinical testing. Allele origin: germline.
Comment: This sequence change replaces methionine, which is neutral and non-polar, with threonine, which is neutral and polar, at codon 191 of the MAP2K2 protein (p.Met191Thr). This variant is not present in population databases (gnomAD no frequency). This variant has not been reported in the literature in individuals affected with MAP2K2-related conditions. Advanced modeling of protein sequence and biophysical properties (such as structural, functional, and spatial information, amino acid conservation, physicochemical variation, residue mobility, and thermodynamic stability) has been performed at Invitae for this missense variant, however the output from this modeling did not meet the statistical confidence thresholds required to predict the impact of this variant on MAP2K2 protein function. In summary, the available evidence is currently insufficient to determine the role of this variant in disease. Therefore, it has been classified as a Variant of Uncertain Significance.

NM_030662.4(MAP2K2):c.572T>C (p.Met191Thr)

Gene: MAP2K2 (mitogen-activated protein kinase kinase 2; minus strand). Cytogenetic location: 19p13.3.
Variant type: single nucleotide variant.
Coding change: c.572T>C on transcript NM_030662.4 (MANE Select); coding-DNA position 572, T replaced by C.
Protein change: p.Met191Thr; replaces methionine 191 with threonine.
Molecular consequence: missense variant.
Genome position (GRCh38, 1-based): chr19:4,101,237, A>G on the plus strand (T>C on the coding strand, the complement: MAP2K2 is on the minus strand). VCF-style: chr19-4101237-A-G. GRCh37 (hg19) VCF-style: chr19-4101235-A-G.
Other names: short protein forms M191T.
Identifiers: ClinVar variation 2986623 (VCV002986623.3), dbSNP rs2145055071, ClinGen allele CA403388907.